The following is an entry in ClinVar:

ClinVar aggregate classification (germline): Likely benign. Review status: criteria provided, single submitter (1 of 4 stars). 2 submissions from 2 submitters: Likely benign (1). 1 of the submissions does not count toward it. Last evaluated 2023-08-04.

Conditions:
FGD1-related disorder. Also called: FGD1-related disorders; FGD1-related condition.

Allele frequency attached by ClinVar (database versions not stated): ExAC 0.00165.

Submissions (2):

Labcorp Genetics (formerly Invitae), Labcorp
Classification: Likely benign. Last evaluated: 2023-08-04. Review status: criteria provided, single submitter. Criteria: Invitae Variant Classification Sherloc (09022015). Collection method: clinical testing. Allele origin: germline.

PreventionGenetics, part of Exact Sciences
Classification: Benign for FGD1-related condition. Last evaluated: 2019-02-21. Review status: no assertion criteria provided. Collection method: clinical testing. Allele origin: germline. Not counted in ClinVar's aggregate classification.
Comment: This variant is classified as benign based on ACMG/AMP sequence variant interpretation guidelines (Richards et al. 2015 PMID: 25741868, with internal and published modifications).

NM_004463.3(FGD1):c.528A>C (p.Pro176=)

Gene: FGD1 (FYVE, RhoGEF and PH domain containing 1; minus strand). Cytogenetic location: Xp11.22.
Variant type: single nucleotide variant.
Coding change: c.528A>C on transcript NM_004463.3 (MANE Select); coding-DNA position 528, A replaced by C.
Protein change: p.Pro176=; no amino-acid change (proline 176 retained).
Molecular consequence: synonymous variant.
Genome position (GRCh38, 1-based): chrX:54,470,714, T>G on the plus strand (A>C on the coding strand, the complement: FGD1 is on the minus strand). VCF-style: chrX-54470714-T-G. GRCh37 (hg19) VCF-style: chrX-54497147-T-G.
Other names: c.528A>C (NM_004463.2).
Identifiers: ClinVar variation 2166352 (VCV002166352.6), dbSNP rs1267013309, ClinGen allele CA10425252.
Genomic context (GRCh38, chrX:54,470,714, plus strand): 5'-CTTGGCCACTCGGGGGTCGGCAGGCAGTGGGCGTGATGGTGGAGGGGGGATGGGCTCCAG[T>G]GGGGGGGGCATCCGGGGCATCTGCAGGTAGCTGGGCTTTGGGGGCACTGGAGAGACGAAT-3'
Protein context (NP_004454.2, residues 166-186): SYLQMPRMPP[Pro176=]LEPIPPPPSR